The following is an entry in ClinVar:

ClinVar aggregate classification (germline): Uncertain significance (1 of 4 stars; one submission).

Allele frequency attached by ClinVar (database versions not stated): TOPMed 0.00001; ExAC 0.00005.
gnomAD v4.1: 28 of 1,614,086 alleles (0.0017%); highest among the groups gnomAD compares: Middle Eastern, 0.016%; no homozygotes.

Submission:

Labcorp Genetics (formerly Invitae), Labcorp
Classification: Uncertain significance. Last evaluated: 2022-01-04. Review status: criteria provided, single submitter. Criteria: Invitae Variant Classification Sherloc (09022015). Collection method: clinical testing. Allele origin: germline.
Comment: This sequence change replaces aspartic acid, which is acidic and polar, with asparagine, which is neutral and polar, at codon 561 of the LRRK1 protein (p.Asp561Asn). This variant is present in population databases (rs761695009, gnomAD 0.007%). This variant has not been reported in the literature in individuals affected with LRRK1-related conditions. Algorithms developed to predict the effect of missense changes on protein structure and function (SIFT, PolyPhen-2, Align-GVGD) all suggest that this variant is likely to be tolerated. In summary, the available evidence is currently insufficient to determine the role of this variant in disease. Therefore, it has been classified as a Variant of Uncertain Significance.

NM_024652.6(LRRK1):c.1681G>A (p.Asp561Asn)

Gene: LRRK1 (leucine rich repeat kinase 1; plus strand). Cytogenetic location: 15q26.3.
Variant type: single nucleotide variant.
Coding change: c.1681G>A on transcript NM_024652.6 (MANE Select); coding-DNA position 1681, G replaced by A.
Protein change: p.Asp561Asn; replaces aspartic acid 561 with asparagine.
Molecular consequence: missense variant.
Genome position (GRCh38, 1-based): chr15:101,021,124, G>A. VCF-style: chr15-101021124-G-A. GRCh37 (hg19) VCF-style: chr15-101561329-G-A.
Other names: short protein forms D561N.
Identifiers: ClinVar variation 1954796 (VCV001954796.2), dbSNP rs761695009, ClinGen allele CA7760984.